The following is an entry in ClinVar:

ClinVar aggregate classification (germline): Benign. Review status: criteria provided, single submitter (1 of 4 stars). 2 submissions from 2 submitters: Benign (1). 1 of the submissions does not count toward it. Last evaluated 2018-11-08.

Conditions:
BMS1-related disorder. Also called: BMS1-related condition.

Allele frequency attached by ClinVar (database versions not stated): gnomAD 0.00001 and 0.00032; TOPMed 0.00006; gnomAD exomes 0.00064 and 0.00148; ExAC 0.00167; 1000 Genomes Project 30x 0.00281; 1000 Genomes Project 0.00300.
gnomAD v4.1: 993 of 1,614,210 alleles (0.062%); highest among the groups gnomAD compares: South Asian, 1%; 17 homozygotes.

Submissions (2):

Labcorp Genetics (formerly Invitae), Labcorp
Classification: Benign. Last evaluated: 2018-11-08. Review status: criteria provided, single submitter. Criteria: Invitae Variant Classification Sherloc (09022015). Collection method: clinical testing. Allele origin: germline.

PreventionGenetics, part of Exact Sciences
Classification: Benign for BMS1-related condition. Last evaluated: 2019-04-22. Review status: no assertion criteria provided. Collection method: clinical testing. Allele origin: germline. Not counted in ClinVar's aggregate classification.
Comment: This variant is classified as benign based on ACMG/AMP sequence variant interpretation guidelines (Richards et al. 2015 PMID: 25741868, with internal and published modifications).

NM_014753.4(BMS1):c.1679G>A (p.Arg560His)

Gene: BMS1 (BMS1 ribosome biogenesis factor; plus strand). Cytogenetic location: 10q11.21.
Variant type: single nucleotide variant.
Coding change: c.1679G>A on transcript NM_014753.4 (MANE Select); coding-DNA position 1679, G replaced by A.
Protein change: p.Arg560His; replaces arginine 560 with histidine.
Molecular consequence: missense variant.
Genome position (GRCh38, 1-based): chr10:42,796,923, G>A. VCF-style: chr10-42796923-G-A. GRCh37 (hg19) VCF-style: chr10-43292371-G-A.
Other names: short protein forms R560H.
Identifiers: ClinVar variation 728758 (VCV000728758.5), dbSNP rs555586289, ClinGen allele CA5475810.
Genomic context (GRCh38, chr10:42,796,923, plus strand): 5'-CAAAGGCTGCTGGAGAAGGTAGTAAAGCAGGGCTGTCACCAGCTAATTGCCAGAGTGACC[G>A]TGTGAATCTGGAGAAGTCTTTGCTGATGAAGAAAGCAGCTCTCCCCACTTTCGATTCTGG-3'
Protein context (NP_055568.3, residues 550-570): GLSPANCQSD[Arg560His]VNLEKSLLMK